The following is an entry in ClinVar:

NM_020338.4(ZMIZ1):c.1054del (p.Ala352fs)

Gene: ZMIZ1 (zinc finger MIZ-type containing 1; plus strand). Cytogenetic location: 10q22.3.
Variant type: Deletion.
Coding change: c.1054del on transcript NM_020338.4 (MANE Select); coding-DNA position 1054, one base deleted (G; older notation c.1054delG).
Protein change: p.Ala352fs; shifts the reading frame from alanine 352.
Molecular consequence: frameshift variant.
Genome position (GRCh38, 1-based): chr10:79,293,477, G deleted; the last of 2 consecutive G bases (chr10:79,293,476-79,293,477); deleting either gives the same sequence. VCF-style (leftmost placement, unchanged base first): chr10-79293475-TG-T. GRCh37 (hg19) VCF-style: chr10-81053232-TG-T.
Other names: short protein forms A352fs.
Identifiers: ClinVar variation 4880566 (VCV004880566.2).
Genomic context (GRCh38, chr10:79,293,475, plus strand): 5'-TGAACCAGCCCGGGCCGCGGGGGCCTGCCTCCATGGGGGGCAGCATGAACCCCGCGAGCA[TG>T]GCGGCTGGCATGACGCCCTCGGGGATGAGCGGCCCTCCCATGGGCATGAACCAGCCCCGG-3'

ClinVar aggregate classification (germline): Likely pathogenic (1 of 4 stars; one submission).

Submission:

Dasa
Classification: Likely pathogenic. Last evaluated: 2025-02-04. Review status: criteria provided, single submitter. Criteria: DASA Assertion Criteria. Collection method: clinical testing. Allele origin: germline.
Comment: NM_020338.4(ZMIZ1):c.1054del (p.Ala352Argfs*4) is a frameshift variant in ZMIZ1 predicted to alter the reading frame and introduce a premature termination codon and is predicted to result in an absent or altered protein product. Loss of function is an established disease mechanism for ZMIZ1-associated disorders. Also, this variant is absent from population databases. Based on the currently available evidence, this variant is classified as likely pathogenic.